The following is an entry in ClinVar:

ClinVar aggregate classification (germline): Uncertain significance (1 of 4 stars; one submission).

Conditions:
Pheochromocytoma. Also called: MAX-Related Hereditary Paraganglioma-Pheochromocytoma Syndrome. Identifiers: Orphanet 29072, MedGen C0031511, MONDO:0008233, OMIM 171300, HP:0002666.
Pheochromocytoma/paraganglioma syndrome 4. Also called: PARAGANGLIOMA, FAMILIAL MALIGNANT; PARAGANGLIOMAS, HEREDITARY EXTRAADRENAL; PHEOCHROMOCYTOMA, FAMILIAL EXTRAADRENAL; SDHB-Related Hereditary Paraganglioma-Pheochromocytoma Syndrome (Paragangliomas 4); CAROTID BODY TUMORS AND MULTIPLE EXTRAADRENAL PHEOCHROMOCYTOMAS; SDHB-Related Hereditary Paraganglioma-Pheochromocytoma Syndrome. Identifiers: Orphanet 29072, MedGen C1861848, MONDO:0007273, OMIM 115310.
Gastrointestinal stromal tumor. Also called: Gastrointestinal stromal tumor, somatic; Gastrointestinal stroma tumor. Identifiers: Orphanet 44890, MedGen C0238198, MeSH D046152, MONDO:0011719, OMIM 606764, HP:0100723.

Submission:

Labcorp Genetics (formerly Invitae), Labcorp
Classification: Uncertain significance for Gastrointestinal stroma tumor; Paragangliomas 4; Pheochromocytoma. Last evaluated: 2019-02-12. Review status: criteria provided, single submitter. Criteria: Invitae Variant Classification Sherloc (09022015). Collection method: clinical testing. Allele origin: germline.
Comment: This variant results in a copy number gain of the genomic region encompassing exons 1-2 of the SDHB gene. The 5' end of this event is unknown as it extends beyond the assayed region for this gene and therefore may encompass additional genes. The 3' boundary is likely confined to intron 2 of the SDHB gene. As the precise location of this event is unknown, it may be in tandem or it may be located elsewhere in the genome. This variant has not been reported in the literature in individuals with SDHB-related disease. However, a smaller copy number gain involving only exon 1 of the SDHB gene has been reported in an individual affected with head and neck paraganglioma (PMID: 22566194). Experimental studies and prediction algorithms are not available for this variant, and the functional significance of the duplicated amino acids is currently unknown. In summary, the available evidence is currently insufficient to determine the role of this variant in disease. Therefore, it has been classified as a Variant of Uncertain Significance.

Literature cited by the submitters: PubMed 22566194.

NC_000001.10:g.(?_17371246)_(17380524_?)dup

Genes: SDHB (succinate dehydrogenase complex iron sulfur subunit B; minus strand), LOC129929542 (ATAC-STARR-seq lymphoblastoid active region 277; plus strand). Cytogenetic location: 1p36.13.
Variant type: Duplication.
Identifiers: ClinVar variation 583446 (VCV000583446.3).